The following is an entry in ClinVar:

NM_021975.4(RELA):c.1184C>G (p.Pro395Arg)

Gene: RELA (RELA proto-oncogene, NF-kB subunit; minus strand). Cytogenetic location: 11q13.1.
Variant type: single nucleotide variant.
Coding change: c.1184C>G on transcript NM_021975.4 (MANE Select); coding-DNA position 1184, C replaced by G.
Protein change: p.Pro395Arg; replaces proline 395 with arginine.
Molecular consequence: missense variant. On other transcripts: intron variant (1).
Genome position (GRCh38, 1-based): chr11:65,654,850, G>C on the plus strand (C>G on the coding strand, the complement: RELA is on the minus strand). VCF-style: chr11-65654850-G-C. GRCh37 (hg19) VCF-style: chr11-65422321-G-C.
Other names: c.1175C>G, p.Pro392Arg (NM_001145138.2); c.1184C>G, p.Pro395Arg (NM_001243985.2); c.1217C>G, p.Pro406Arg (NM_001404657.1); c.1157C>G, p.Pro386Arg (NM_001404658.1); c.971C>G, p.Pro324Arg (NM_001404659.1); c.866C>G, p.Pro289Arg (NM_001404660.1); c.803C>G, p.Pro268Arg (NM_001404661.1); c.1091C>G, p.Pro364Arg (NM_001404662.1, NM_001404663.1); and 1 more; short protein forms P268R, P289R, P386R, P395R, P406R, P324R, P364R, P392R.
Identifiers: ClinVar variation 2719379 (VCV002719379.3), dbSNP rs1208220510, ClinGen allele CA381387835.

ClinVar aggregate classification (germline): Uncertain significance (1 of 4 stars; one submission).

gnomAD v4.1: 3 of 1,561,574 alleles (0.00019%); highest among the groups gnomAD compares: Non-Finnish European, 0.00026%; no homozygotes.

Submission:

Labcorp Genetics (formerly Invitae), Labcorp
Classification: Uncertain significance. Last evaluated: 2023-06-04. Review status: criteria provided, single submitter. Criteria: Invitae Variant Classification Sherloc (09022015). Collection method: clinical testing. Allele origin: germline.
Comment: In summary, the available evidence is currently insufficient to determine the role of this variant in disease. Therefore, it has been classified as a Variant of Uncertain Significance. This sequence change replaces proline, which is neutral and non-polar, with arginine, which is basic and polar, at codon 395 of the RELA protein (p.Pro395Arg). This variant is present in population databases (no rsID available, gnomAD 0.003%). This variant has not been reported in the literature in individuals affected with RELA-related conditions. An algorithm developed to predict the effect of missense changes on protein structure and function (PolyPhen-2) suggests that this variant is likely to be tolerated.